The following is an entry in ClinVar:

NM_182961.4(SYNE1):c.10649A>G (p.Asn3550Ser)

Gene: SYNE1 (spectrin repeat containing nuclear envelope protein 1; minus strand). Cytogenetic location: 6q25.2.
Variant type: single nucleotide variant.
Coding change: c.10649A>G on transcript NM_182961.4 (MANE Select); coding-DNA position 10649, A replaced by G.
Protein change: p.Asn3550Ser; replaces asparagine 3550 with serine.
Molecular consequence: missense variant.
Genome position (GRCh38, 1-based): chr6:152,354,936, T>C on the plus strand (A>G on the coding strand, the complement: SYNE1 is on the minus strand). VCF-style: chr6-152354936-T-C. GRCh37 (hg19) VCF-style: chr6-152676071-T-C.
Other names: c.10670A>G, p.Asn3557Ser (NM_033071.5); short protein forms N3557S, N3550S.
Identifiers: ClinVar variation 2052348 (VCV002052348.4), dbSNP rs2488308183, ClinGen allele CA366125766.

ClinVar aggregate classification (germline): Uncertain significance (1 of 4 stars; one submission).

Conditions:
Emery-Dreifuss muscular dystrophy 4, autosomal dominant (EDMD4). Also called: EMERY-DREIFUSS MUSCULAR DYSTROPHY 4 WITH VARIABLE FEATURES. Identifiers: Orphanet 261, MedGen C2751807, MONDO:0013071, OMIM 612998.
Autosomal recessive ataxia, Beauce type. Also called: SYNE1 Deficiency; Spinocerebellar ataxia, autosomal recessive 8; ATAXIA, RECESSIVE, OF BEAUCE; SYNE1-Related Autosomal Recessive Cerebellar Ataxia. Identifiers: Orphanet 88644, MedGen C1853116, MONDO:0012549, OMIM 610743.

Submission:

Labcorp Genetics (formerly Invitae), Labcorp
Classification: Uncertain significance for Emery-Dreifuss muscular dystrophy 4, autosomal dominant; Autosomal recessive ataxia, Beauce type. Last evaluated: 2022-07-26. Review status: criteria provided, single submitter. Criteria: Invitae Variant Classification Sherloc (09022015). Collection method: clinical testing. Allele origin: germline.
Comment: This variant is not present in population databases (gnomAD no frequency). In summary, the available evidence is currently insufficient to determine the role of this variant in disease. Therefore, it has been classified as a Variant of Uncertain Significance. Algorithms developed to predict the effect of missense changes on protein structure and function are either unavailable or do not agree on the potential impact of this missense change (SIFT: "Deleterious"; PolyPhen-2: "Benign"; Align-GVGD: "Class C45"). This variant has not been reported in the literature in individuals affected with SYNE1-related conditions. This sequence change replaces asparagine, which is neutral and polar, with serine, which is neutral and polar, at codon 3557 of the SYNE1 protein (p.Asn3557Ser).